The following is an entry in ClinVar:

NM_001145809.2(MYH14):c.810C>T (p.Phe270=)

Gene: MYH14 (myosin heavy chain 14; plus strand). Cytogenetic location: 19q13.33.
Variant type: single nucleotide variant.
Coding change: c.810C>T on transcript NM_001145809.2 (MANE Select); coding-DNA position 810, C replaced by T.
Protein change: p.Phe270=; no amino-acid change (phenylalanine 270 retained).
Molecular consequence: synonymous variant.
Genome position (GRCh38, 1-based): chr19:50,225,677, C>T. VCF-style: chr19-50225677-C-T. GRCh37 (hg19) VCF-style: chr19-50728934-C-T.
Other names: p.Phe262=; c.810C>T, p.Phe270= (NM_001077186.2); c.786C>T, p.Phe262= (NM_024729.4).
Identifiers: ClinVar variation 44080 (VCV000044080.35), dbSNP rs374146214, ClinGen allele CA133518.

ClinVar aggregate classification (germline): Conflicting classifications of pathogenicity. Review status: criteria provided, conflicting classifications (1 of 4 stars). 8 submissions from 8 submitters: Uncertain significance (1); Benign (1); Likely benign (6). Last evaluated 2026-02-16.

Conditions:
MYH14-related disorder. Also called: MYH14-related condition.

Allele frequency attached by ClinVar (database versions not stated): ESP Exome Variant Server 0.00008; ExAC 0.00009; gnomAD 0.00011 and 0.00013; gnomAD exomes 0.00015; 1000 Genomes Project 30x 0.00016; TOPMed 0.00018.
gnomAD v4.1: 236 of 1,612,660 alleles (0.015%); highest among the groups gnomAD compares: Admixed American, 0.043%; no homozygotes.

Submissions (8):

PreventionGenetics, part of Exact Sciences
Classification: Likely benign for MYH14-related condition. Last evaluated: 2026-02-16. Review status: criteria provided, single submitter. Criteria: ACMG Guidelines, 2015. Collection method: clinical testing. Allele origin: germline.
Comment: This variant is classified as likely benign based on ACMG/AMP sequence variant interpretation guidelines (Richards et al. 2015 PMID: 25741868, with internal and published modifications).

Labcorp Genetics (formerly Invitae), Labcorp
Classification: Uncertain significance. Last evaluated: 2025-12-13. Review status: criteria provided, single submitter. Criteria: Invitae Variant Classification Sherloc (09022015). Collection method: clinical testing. Allele origin: germline.
Comment: This sequence change affects codon 262 of the MYH14 mRNA. It is a 'silent' change, meaning that it does not change the encoded amino acid sequence of the MYH14 protein. It affects a nucleotide within the consensus splice site. This variant is present in population databases (rs374146214, gnomAD 0.04%), and has an allele count higher than expected for a pathogenic variant. This variant has not been reported in the literature in individuals affected with MYH14-related conditions. ClinVar contains an entry for this variant (Variation ID: 44080). Algorithms developed to predict the effect of sequence changes on RNA splicing suggest that this variant is not likely to affect RNA splicing. In summary, the available evidence is currently insufficient to determine the role of this variant in disease. Therefore, it has been classified as a Variant of Uncertain Significance.

Mayo Clinic Laboratories, Mayo Clinic
Classification: Likely benign. Last evaluated: 2025-09-30. Review status: criteria provided, single submitter. Criteria: ACMG Guidelines, 2015. Collection method: clinical testing. Allele origin: germline. Observed: 1 variant allele.
Comment: BS2, BP4, BP7

Women's Health and Genetics/Laboratory Corporation of America, LabCorp
Classification: Benign. Last evaluated: 2025-07-09. Review status: criteria provided, single submitter. Criteria: LabCorp Variant Classification Summary - May 2015. Collection method: clinical testing. Allele origin: germline.
Comment: Variant summary: MYH14 c.786C>T (p.Phe262Phe) alters a conserved nucleotide located close to a canonical splice site and therefore could affect mRNA splicing, leading to a significantly altered protein sequence. Several computational tools predict a significant impact on normal splicing: Three predict the variant weakens a 5' donor site. One predict the variant strengthens a 5' donor site. One predict the variant no significant impact on splicing. However, these predictions have yet to be confirmed by functional studies. The variant allele was found at a frequency of 0.00015 in 249242 control chromosomes. The observed variant frequency is approximately 243.94 fold of the estimated maximal expected allele frequency for a pathogenic variant in MYH14 causing Autosomal dominant nonsyndromic hearing loss 4A phenotype (6.3e-07). To our knowledge, no occurrence of c.786C>T in individuals affected with Autosomal dominant nonsyndromic hearing loss 4A and no experimental evidence demonstrating its impact on protein function have been reported. ClinVar contains an entry for this variant (Variation ID: 44080). Based on the evidence outlined above, the variant was classified as benign.

Blueprint Genetics
Classification: Likely benign. Last evaluated: 2024-02-27. Review status: criteria provided, single submitter. Criteria: ACMG Guidelines, 2015. Collection method: clinical testing. Allele origin: germline.

CeGaT Center for Human Genetics Tuebingen
Classification: Likely benign. Last evaluated: 2022-09-01. Review status: criteria provided, single submitter. Criteria: CeGaT Center For Human Genetics Tuebingen Variant Classification Criteria Version 2. Collection method: clinical testing. Allele origin: germline. Affected: yes. Observed: 1 variant allele.
Comment: MYH14: BP4, BP7

GeneDx
Classification: Likely benign. Last evaluated: 2017-07-07. Review status: criteria provided, single submitter. Criteria: GeneDx Variant Classification (06012015). Collection method: clinical testing. Allele origin: germline. Affected: yes.
Comment: This variant is considered likely benign or benign based on one or more of the following criteria: it is a conservative change, it occurs at a poorly conserved position in the protein, it is predicted to be benign by multiple in silico algorithms, and/or has population frequency not consistent with disease.

Laboratory for Molecular Medicine, Mass General Brigham Personalized Medicine
Classification: Likely benign. Last evaluated: 2013-01-25. Review status: criteria provided, single submitter. Criteria: LMM Criteria. Collection method: clinical testing. Allele origin: germline. Observed: 1 variant allele.
Comment: Phe270Phe in exon 7 of MYH14: This variant is not expected to have clinical sign ificance because it does not alter an amino acid residue, it is not located with in the conserved splice consensus sequence, and it has been identified in 0.01% (1/8600) of European American chromosomes from a broad population by the NHLBI E xome Sequencing Project.